The following is an entry in ClinVar:

NM_000170.3(GLDC):c.1402-1G>A

Gene: GLDC (glycine decarboxylase; minus strand). Cytogenetic location: 9p24.1.
Variant type: single nucleotide variant.
Coding change: c.1402-1G>A on transcript NM_000170.3 (MANE Select); the canonical splice acceptor site of the intron before coding-DNA position 1402, G replaced by A.
Molecular consequence: splice acceptor variant.
Genome position (GRCh38, 1-based): chr9:6,592,224, C>T on the plus strand (G>A on the coding strand, the complement: GLDC is on the minus strand). VCF-style: chr9-6592224-C-T. GRCh37 (hg19) VCF-style: chr9-6592224-C-T.
Identifiers: ClinVar variation 1492807 (VCV001492807.8), dbSNP rs386833525, ClinGen allele CA372893883.
Genomic context (GRCh38, chr9:6,592,224, plus strand): 5'-GATCCACAACAAATCGTCCAGATCTTTTTCATTGACTGTTTCATCAAGAGAAATACCAAG[C>T]TACAGAAACACAAACAAAATGGAAAACATCAACTCTAAACTCCACATCACTGGAGGAATC-3'

ClinVar aggregate classification (germline): Likely pathogenic (1 of 4 stars; one submission).

Conditions:
Glycine encephalopathy. Also called: Non-ketotic hyperglycinemia; Nonketotic hyperglycinemia. Identifiers: Orphanet 407, MedGen C0751748, MONDO:0011612, HP:0008288.

Submission:

Labcorp Genetics (formerly Invitae), Labcorp
Classification: Likely pathogenic for Glycine encephalopathy. Last evaluated: 2021-02-20. Review status: criteria provided, single submitter. Criteria: Invitae Variant Classification Sherloc (09022015). Collection method: clinical testing. Allele origin: germline.
Comment: In summary, the currently available evidence indicates that the variant is pathogenic, but additional data are needed to prove that conclusively. Therefore, this variant has been classified as Likely Pathogenic. Algorithms developed to predict the effect of sequence changes on RNA splicing suggest that this variant may disrupt the consensus splice site, but this prediction has not been confirmed by published transcriptional studies. This sequence change affects an acceptor splice site in intron 10 of the GLDC gene. It is expected to disrupt RNA splicing. Variants that disrupt the donor or acceptor splice site typically lead to a loss of protein function (PMID: 16199547), and loss-of-function variants in GLDC are known to be pathogenic (PMID: 16601880). This variant is not present in population databases (ExAC no frequency). This variant has not been reported in the literature in individuals with GLDC-related conditions.

Literature cited by the submitters: PubMed 16199547; PubMed 16601880.